The following is an entry in ClinVar:

ClinVar aggregate classification (germline): Uncertain significance (1 of 4 stars; one submission).

Submission:

Labcorp Genetics (formerly Invitae), Labcorp
Classification: Uncertain significance. Last evaluated: 2022-10-09. Review status: criteria provided, single submitter. Criteria: Invitae Variant Classification Sherloc (09022015). Collection method: clinical testing. Allele origin: germline.
Comment: This sequence change falls in intron 68 of the DNAH9 gene. It does not directly change the encoded amino acid sequence of the DNAH9 protein. It affects a nucleotide within the consensus splice site. This variant is present in population databases (rs754353327, gnomAD 0.03%). This variant has not been reported in the literature in individuals affected with DNAH9-related conditions. Variants that disrupt the consensus splice site are a relatively common cause of aberrant splicing (PMID: 17576681, 9536098). Algorithms developed to predict the effect of sequence changes on RNA splicing suggest that this variant may create or strengthen a splice site. In summary, the available evidence is currently insufficient to determine the role of this variant in disease. Therefore, it has been classified as a Variant of Uncertain Significance.

Literature cited by the submitters: PubMed 17576681; PubMed 9536098.

NM_001372.4(DNAH9):c.13233+4_13233+5del

Gene: DNAH9 (dynein axonemal heavy chain 9; plus strand). Cytogenetic location: 17p12.
Variant type: Deletion.
Coding change: c.13233+4_13233+5del on transcript NM_001372.4 (MANE Select); bases 4 to 5 of the intron after coding-DNA position 13233, 2 bases deleted (AA; older notation c.13233+4_13233+5delAA).
Molecular consequence: intron variant.
Genome position (GRCh38, 1-based): chr17:11,962,260-11,962,261, AA deleted; deleting any 2 consecutive bases within chr17:11,962,259-11,962,261 gives the same sequence; the c. name uses the placement nearest the transcript's 3' end. VCF-style (leftmost placement, unchanged base first): chr17-11962258-TAA-T. GRCh37 (hg19) VCF-style: chr17-11865575-TAA-T.
Other names: c.2169+4_2169+5del (NM_004662.2).
Identifiers: ClinVar variation 2189358 (VCV002189358.1), dbSNP rs754353327, ClinGen allele CA8398367.